The following is an entry in ClinVar:

ClinVar aggregate classification (germline): Uncertain significance (1 of 4 stars; one submission).

Submission:

Labcorp Genetics (formerly Invitae), Labcorp
Classification: Uncertain significance. Last evaluated: 2021-08-09. Review status: criteria provided, single submitter. Criteria: Invitae Variant Classification Sherloc (09022015). Collection method: clinical testing. Allele origin: germline.
Comment: This sequence change results in a premature translational stop signal in the RINT1 gene (p.Gln774*). While this is not anticipated to result in nonsense mediated decay, it is expected to delete the last 19 amino acids of the RINT1 protein. This variant is not present in population databases (ExAC no frequency). This variant has not been reported in the literature in individuals with RINT1-related disease. In summary, the available evidence is currently insufficient to determine the role of this variant in disease. Therefore, it has been classified as a Variant of Uncertain Significance.

NM_021930.6(RINT1):c.2320C>T (p.Gln774Ter)

Genes: EFCAB10 (EF-hand calcium binding domain 10; minus strand), RINT1 (RAD50 interactor 1; plus strand). Cytogenetic location: 7q22.3.
Variant type: single nucleotide variant.
Coding change: c.2320C>T on transcript NM_021930.6 (MANE Select); coding-DNA position 2320, C replaced by T.
Protein change: p.Gln774Ter; replaces glutamine 774 with a stop codon.
Molecular consequence: nonsense. On other transcripts: 3 prime UTR variant (2), non-coding transcript variant (1), intron variant (3).
Genome position (GRCh38, 1-based): chr7:105,567,252, C>T. VCF-style: chr7-105567252-C-T. GRCh37 (hg19) VCF-style: chr7-105207699-C-T.
Other names: c.*202G>A (NM_001355527.2, NM_001355529.2); c.2086C>T, p.Gln696Ter (NM_001346599.2); c.1297C>T, p.Gln433Ter (NM_001346600.2, NM_001346603.2); c.1396C>T, p.Gln466Ter (NM_001346601.2); c.360-1805G>A (NM_001355531.2); c.383+215G>A (NM_001355526.2, NM_001355530.2); short protein forms Q466*, Q774*, Q696*, Q433*.
Identifiers: ClinVar variation 1040564 (VCV001040564.6), dbSNP rs1231340123, ClinGen allele CA368815627.